The following is an entry in ClinVar:

ClinVar aggregate classification (germline): Uncertain significance (1 of 4 stars; one submission).

Conditions:
Familial thoracic aortic aneurysm and aortic dissection (TAAD). Also called: Thoracic aortic aneurysms and dissections. Identifiers: Orphanet 91387, MedGen C4707243, MONDO:0019625.

Submission:

Labcorp Genetics (formerly Invitae), Labcorp
Classification: Uncertain significance for Familial thoracic aortic aneurysm and aortic dissection. Last evaluated: 2025-07-09. Review status: criteria provided, single submitter. Criteria: Invitae Variant Classification Sherloc (09022015). Collection method: clinical testing. Allele origin: germline.
Comment: This sequence change falls in intron 1 of the SMAD3 gene. It does not directly change the encoded amino acid sequence of the SMAD3 protein. This variant is not present in population databases (gnomAD no frequency). This variant has been observed in individual(s) with aortic dissection (internal data). ClinVar contains an entry for this variant (Variation ID: 2001264). Algorithms developed to predict the effect of sequence changes on RNA splicing suggest that this variant may disrupt the consensus splice site. In summary, the available evidence is currently insufficient to determine the role of this variant in disease. Therefore, it has been classified as a Variant of Uncertain Significance.

NM_005902.4(SMAD3):c.207-6_207-5insA

Gene: SMAD3 (SMAD family member 3; plus strand). Cytogenetic location: 15q22.33.
Variant type: Insertion.
Coding change: c.207-6_207-5insA on transcript NM_005902.4 (MANE Select); 6 bases into the intron before coding-DNA position 207 through 5 bases into the intron before coding-DNA position 207, A inserted.
Molecular consequence: intron variant.
Genome position: GRCh38 VCF-style: chr15-67164889-T-TA. GRCh37 (hg19) VCF-style: chr15-67457227-T-TA.
Other names: c.-109-6_-109-5insA (NM_001145102.2); c.75-6_75-5insA (NM_001145103.2).
Identifiers: ClinVar variation 2001264 (VCV002001264.4), dbSNP rs2505209074, ClinGen allele CA2580089881.